The following is an entry in ClinVar:

NM_000326.5(RLBP1):c.10G>A (p.Gly4Arg)

Gene: RLBP1 (retinaldehyde binding protein 1; minus strand). Cytogenetic location: 15q26.1.
Variant type: single nucleotide variant.
Coding change: c.10G>A on transcript NM_000326.5 (MANE Select); coding-DNA position 10, G replaced by A.
Protein change: p.Gly4Arg; replaces glycine 4 with arginine.
Molecular consequence: missense variant.
Genome position (GRCh38, 1-based): chr15:89,218,966, C>T on the plus strand (G>A on the coding strand, the complement: RLBP1 is on the minus strand). VCF-style: chr15-89218966-C-T. GRCh37 (hg19) VCF-style: chr15-89762197-C-T.
Other names: short protein forms G4R.
Identifiers: ClinVar variation 857628 (VCV000857628.8), dbSNP rs376705292, ClinGen allele CA7722425.
Genomic context (GRCh38, chr15:89,218,966, plus strand): 5'-AAGAGAGAGAAGAGAGGGAAGGTGGGTGGAGGAGAGCCCTGGAGGACAGGGTACTTACCC[C>T]TTCTGACATGTTGCCTATGGAAGACACAGAGTCCTTGGAAAAAGAAGGGATCTGCTTTCT-3'
Protein context (NP_000317.1, residues 1-14): MSE[Gly4Arg]VGTFRMVPEE

ClinVar aggregate classification (germline): Uncertain significance. Review status: criteria provided, multiple submitters, no conflicts (2 of 4 stars). 2 submissions from 2 submitters: Uncertain significance (2). Last evaluated 2024-01-04.

Allele frequency attached by ClinVar (database versions not stated): gnomAD 0.00001 and 0.00003; gnomAD exomes 0.00001 and 0.00003; ExAC 0.00002; TOPMed 0.00003; ESP Exome Variant Server 0.00015; 1000 Genomes Project 0.00020; 1000 Genomes Project 30x 0.00031.
gnomAD v4.1: 15 of 1,614,078 alleles (0.00093%); highest among the groups gnomAD compares: Admixed American, 0.012%; no homozygotes.

Submissions (2):

Blueprint Genetics
Classification: Uncertain significance. Last evaluated: 2024-01-04. Review status: criteria provided, single submitter. Criteria: ACMG Guidelines, 2015. Collection method: clinical testing. Allele origin: germline.

Labcorp Genetics (formerly Invitae), Labcorp
Classification: Uncertain significance. Last evaluated: 2021-08-31. Review status: criteria provided, single submitter. Criteria: Invitae Variant Classification Sherloc (09022015). Collection method: clinical testing. Allele origin: germline.
Comment: This sequence change replaces glycine with arginine at codon 4 of the RLBP1 protein (p.Gly4Arg). The glycine residue is weakly conserved and there is a moderate physicochemical difference between glycine and arginine. This variant is present in population databases (rs376705292, ExAC 0.005%). This variant has not been reported in the literature in individuals affected with RLBP1-related conditions. Algorithms developed to predict the effect of missense changes on protein structure and function (SIFT, PolyPhen-2, Align-GVGD) all suggest that this variant is likely to be tolerated. In summary, the available evidence is currently insufficient to determine the role of this variant in disease. Therefore, it has been classified as a Variant of Uncertain Significance.